The following is an entry in ClinVar:

NM_000038.6(APC):c.881del (p.Ser294fs)

Gene: APC (APC regulator of Wnt signaling pathway; plus strand). Cytogenetic location: 5q22.2.
Variant type: Deletion.
Coding change: c.881del on transcript NM_000038.6 (MANE Select); coding-DNA position 881, one base deleted (C; older notation c.881delC).
Protein change: p.Ser294fs; shifts the reading frame from serine 294.
Molecular consequence: frameshift variant.
Genome position (GRCh38, 1-based): chr5:112,815,541, C deleted. VCF-style (leftmost placement, unchanged base first): chr5-112815540-TC-T. GRCh37 (hg19) VCF-style: chr5-112151237-TC-T.
Other names: c.881del, p.Ser294fs (NM_001127510.3, NM_001354895.2, NM_001354896.2 and 1 more transcripts); c.827del, p.Ser276fs (NM_001127511.3); c.911del, p.Ser304fs (NM_001354897.2, NM_001354902.2); c.806del, p.Ser269fs (NM_001354898.2, NM_001354904.2); c.797del, p.Ser266fs (NM_001354899.2); c.704del, p.Ser235fs (NM_001354900.2, NM_001354901.2, NM_001354905.2); c.32del, p.Ser11fs (NM_001354906.2); short protein forms S269fs, S11fs, S235fs, S266fs, S276fs, S294fs, S304fs.
Identifiers: ClinVar variation 822756 (VCV000822756.4), dbSNP rs1580511959, ClinGen allele CA915943469.

ClinVar aggregate classification (germline): Pathogenic (1 of 4 stars; one submission).

Conditions:
Hereditary cancer-predisposing syndrome. Also called: Tumor predisposition; Hereditary Cancer Syndrome; Neoplastic Syndromes, Hereditary; Hereditary neoplastic syndrome. Identifiers: Orphanet 140162, MedGen C0027672, MeSH D009386, MONDO:0015356.

Submission:

Ambry Genetics
Classification: Pathogenic for Hereditary cancer-predisposing syndrome. Last evaluated: 2018-10-08. Review status: criteria provided, single submitter. Criteria: Ambry Variant Classification Scheme 2023. Collection method: clinical testing. Allele origin: germline.
Comment: The c.881delC pathogenic mutation, located in coding exon 8 of the APC gene, results from a deletion of one nucleotide at nucleotide position 881, causing a translational frameshift with a predicted alternate stop codon (p.S294Lfs*11). This alteration is expected to result in loss of function by premature protein truncation or nonsense-mediated mRNA decay. As such, this alteration is interpreted as a disease-causing mutation.